The following is an entry in ClinVar:

ClinVar aggregate classification (germline): Likely pathogenic (1 of 4 stars; one submission).

Conditions:
Congenital contractural arachnodactyly (CCA). Also called: BEALS SYNDROME; Arthrogryposis, distal, type 9; Beals-Hecht syndrome. Identifiers: Orphanet 115, MedGen C0220668, MONDO:0007363, OMIM 121050.

Submission:

Labcorp Genetics (formerly Invitae), Labcorp
Classification: Likely pathogenic for Congenital contractural arachnodactyly. Last evaluated: 2024-02-03. Review status: criteria provided, single submitter. Criteria: Invitae Variant Classification Sherloc (09022015). Collection method: clinical testing. Allele origin: germline.
Comment: This sequence change replaces cysteine, which is neutral and slightly polar, with tyrosine, which is neutral and polar, at codon 1434 of the FBN2 protein (p.Cys1434Tyr). This variant is not present in population databases (gnomAD no frequency). This variant has not been reported in the literature in individuals affected with FBN2-related conditions. Advanced modeling of protein sequence and biophysical properties (such as structural, functional, and spatial information, amino acid conservation, physicochemical variation, residue mobility, and thermodynamic stability) performed at Invitae indicates that this missense variant is expected to disrupt FBN2 protein function with a positive predictive value of 80%. This variant affects a cysteine residue located within an epidermal growth factor (EGF)–like domain of the FBN2 protein. Cysteine residues in these domains are involved in the formation of disulfide bridges critical for protein structure and stability (PMID: 3495735, 4750422, 16677079). In addition, missense substitutions within the FBN2 EGF-like domains affecting cysteine residues are overrepresented in patients with congenital contractural arachnodactyly (PMID: 18767143). In summary, the currently available evidence indicates that the variant is pathogenic, but additional data are needed to prove that conclusively. Therefore, this variant has been classified as Likely Pathogenic.

Literature cited by the submitters: PubMed 3495735; PubMed 4750422; PubMed 16677079; PubMed 18767143.

NM_001999.4(FBN2):c.4301G>A (p.Cys1434Tyr)

Gene: FBN2 (fibrillin 2; minus strand). Cytogenetic location: 5q23.3.
Variant type: single nucleotide variant.
Coding change: c.4301G>A on transcript NM_001999.4 (MANE Select); coding-DNA position 4301, G replaced by A.
Protein change: p.Cys1434Tyr; replaces cysteine 1434 with tyrosine.
Molecular consequence: missense variant.
Genome position (GRCh38, 1-based): chr5:128,330,617, C>T on the plus strand (G>A on the coding strand, the complement: FBN2 is on the minus strand). VCF-style: chr5-128330617-C-T. GRCh37 (hg19) VCF-style: chr5-127666309-C-T.
Other names: short protein forms C1434Y.
Identifiers: ClinVar variation 2771608 (VCV002771608.3), dbSNP rs1750667332, ClinGen allele CA360753976.